The following is an entry in ClinVar:

ClinVar aggregate classification (germline): Pathogenic. Review status: reviewed by expert panel (3 of 4 stars). 5 submissions from 5 submitters: Pathogenic (1). 4 of the submissions do not count toward it. Last evaluated 2016-10-18.

Conditions:
Breast-ovarian cancer, familial, susceptibility to, 2 (BROVCA2). Also called: BRCA2 Hereditary Breast and Ovarian Cancer. Identifiers: Orphanet 145, MedGen C2675520, MONDO:0012933, OMIM 612555. Disease mechanism: loss of function.
Hereditary breast ovarian cancer syndrome. Also called: BRCA1- and BRCA2-Associated Hereditary Breast and Ovarian Cancer; Hereditary breast and ovarian cancer; Breast and ovarian cancer; Hereditary breast and/or ovarian cancer syndrome; Hereditary breast and ovarian cancer syndrome; Hereditary breast and ovarian cancer syndrome (HBOC). Identifiers: Orphanet 145, MedGen C0677776, MeSH D061325, MONDO:0003582. Disease mechanism: loss of function.

Submissions (5):

Evidence-based Network for the Interpretation of Germline Mutant Alleles (ENIGMA)
Classification: Pathogenic for Breast-ovarian cancer, familial, susceptibility to, 2. Last evaluated: 2016-10-18. Review status: reviewed by expert panel. Criteria: ENIGMA BRCA1/2 Classification Criteria (2015). Collection method: curation. Allele origin: germline.
Comment: Variant allele predicted to encode a truncated non-functional protein.

Labcorp Genetics (formerly Invitae), Labcorp
Classification: Pathogenic for Hereditary breast ovarian cancer syndrome. Last evaluated: 2025-11-10. Review status: criteria provided, single submitter. Criteria: Invitae Variant Classification Sherloc (09022015). Collection method: clinical testing. Allele origin: germline. Not counted in ClinVar's aggregate classification.
Comment: This sequence change creates a premature translational stop signal (p.Thr2662Asnfs*4) in the BRCA2 gene. It is expected to result in an absent or disrupted protein product. Loss-of-function variants in BRCA2 are known to be pathogenic (PMID: 20104584). This variant is not present in population databases (gnomAD no frequency). This premature translational stop signal has been observed in individual(s) with hereditary breast and ovarian cancer syndrome (PMID: 25186627, 27616075). ClinVar contains an entry for this variant (Variation ID: 267046). For these reasons, this variant has been classified as Pathogenic.

Clinical Genetics Laboratory, Skane University Hospital Lund
Classification: Pathogenic. Last evaluated: 2022-05-27. Review status: criteria provided, single submitter. Criteria: ACMG Guidelines, 2015. Collection method: clinical testing. Allele origin: germline. Affected: yes. Not counted in ClinVar's aggregate classification.

Consortium of Investigators of Modifiers of BRCA1/2 (CIMBA), c/o University of Cambridge
Classification: Pathogenic for Breast-ovarian cancer, familial, susceptibility to, 2. Last evaluated: 2015-10-02. Review status: criteria provided, single submitter. Criteria: CIMBA Mutation Classification guidelines May 2016. Collection method: clinical testing. Allele origin: germline. Not counted in ClinVar's aggregate classification.

BRCAlab, Lund University
Classification: Pathogenic for Breast-ovarian cancer, familial, susceptibility to, 2. Last evaluated: 2020-03-02. Review status: no assertion criteria provided. Collection method: clinical testing. Allele origin: germline. Affected: yes. Not counted in ClinVar's aggregate classification.

Literature cited by the submitters: PubMed 20104584 (cited by Labcorp Genetics (formerly Invitae), Labcorp); PubMed 25186627 (cited by Labcorp Genetics (formerly Invitae), Labcorp); PubMed 27616075 (cited by Labcorp Genetics (formerly Invitae), Labcorp).

NM_000059.4(BRCA2):c.7984dup (p.Thr2662fs)

Gene: BRCA2 (BRCA2 DNA repair associated; plus strand). Cytogenetic location: 13q13.1.
Variant type: Duplication.
Coding change: c.7984dup on transcript NM_000059.4 (MANE Select); coding-DNA position 7984, one base duplicated (A; older notation c.7984dupA).
Protein change: p.Thr2662fs; shifts the reading frame from threonine 2662.
Molecular consequence: frameshift variant.
Genome position (GRCh38, 1-based): chr13:32,363,186, A duplicated. VCF-style (leftmost placement, unchanged base first): chr13-32363185-T-TA. GRCh37 (hg19) VCF-style: chr13-32937322-T-TA.
Other names: 8212_8213insA; short protein forms T2662fs.
Identifiers: ClinVar variation 267046 (VCV000267046.11), dbSNP rs886040737, ClinGen allele CA10589461.